The following is an entry in ClinVar:

NM_000561.4(GSTM1):c.433C>T (p.Arg145Trp)

Gene: GSTM1 (glutathione S-transferase mu 1; plus strand). Cytogenetic location: 1p13.3.
Variant type: single nucleotide variant.
Coding change: c.433C>T on transcript NM_000561.4 (MANE Select); coding-DNA position 433, C replaced by T.
Protein change: p.Arg145Trp; replaces arginine 145 with tryptophan.
Molecular consequence: missense variant.
Genome position (GRCh38, 1-based): chr1:109,690,343, C>T. VCF-style: chr1-109690343-C-T. GRCh37 (hg19) VCF-style: chr1-110232965-C-T.
Other names: c.433C>T, p.Arg145Trp (NM_146421.3); short protein forms R145W.
Identifiers: ClinVar variation 2638985 (VCV002638985.24), dbSNP rs142484086, ClinGen allele CA994307.

ClinVar aggregate classification (germline): Benign (1 of 4 stars; one submission).

Allele frequency attached by ClinVar (database versions not stated): ESP Exome Variant Server 0.00121; gnomAD exomes 0.00140; ExAC 0.00148; gnomAD 0.00162.

Submission:

CeGaT Center for Human Genetics Tuebingen
Classification: Benign. Last evaluated: 2022-07-01. Review status: criteria provided, single submitter. Criteria: CeGaT Center For Human Genetics Tuebingen Variant Classification Criteria Version 2. Collection method: clinical testing. Allele origin: germline. Affected: yes. Observed: 1 variant allele.
Comment: GSTM1: BP4, BS1, BS2